The following is an entry in ClinVar:

NM_173598.6(KSR2):c.278G>A (p.Arg93Gln)

Gene: KSR2 (kinase suppressor of ras 2; minus strand). Cytogenetic location: 12q24.23.
Variant type: single nucleotide variant.
Coding change: c.278G>A on transcript NM_173598.6 (MANE Select); coding-DNA position 278, G replaced by A.
Protein change: p.Arg93Gln; replaces arginine 93 with glutamine.
Molecular consequence: missense variant.
Genome position (GRCh38, 1-based): chr12:117,860,334, C>T on the plus strand (G>A on the coding strand, the complement: KSR2 is on the minus strand). VCF-style: chr12-117860334-C-T. GRCh37 (hg19) VCF-style: chr12-118298139-C-T.
Other names: c.191G>A (NM_173598.4); short protein forms R93Q.
Identifiers: ClinVar variation 2983149 (VCV002983149.4), dbSNP rs780888711, ClinGen allele CA6816401.

ClinVar aggregate classification (germline): Uncertain significance. Review status: criteria provided, single submitter (1 of 4 stars). 2 submissions from 2 submitters: Uncertain significance (1). 1 of the submissions does not count toward it. Last evaluated 2022-11-08.

Conditions:
KSR2-related disorder. Also called: KSR2-related condition.

Allele frequency attached by ClinVar (database versions not stated): TOPMed below 0.00001; ExAC 0.00001; gnomAD 0.00002.
gnomAD v4.1: 6 of 1,613,714 alleles (0.00037%); highest among the groups gnomAD compares: African/African-American, 0.0053%; no homozygotes.

Submissions (2):

Labcorp Genetics (formerly Invitae), Labcorp
Classification: Uncertain significance. Last evaluated: 2022-11-08. Review status: criteria provided, single submitter. Criteria: Invitae Variant Classification Sherloc (09022015). Collection method: clinical testing. Allele origin: germline.
Comment: In summary, the available evidence is currently insufficient to determine the role of this variant in disease. Therefore, it has been classified as a Variant of Uncertain Significance. Algorithms developed to predict the effect of missense changes on protein structure and function output the following: SIFT: "Tolerated"; PolyPhen-2: "Benign"; Align-GVGD: "Class C0". The glutamine amino acid residue is found in multiple mammalian species, which suggests that this missense change does not adversely affect protein function. This variant has not been reported in the literature in individuals affected with KSR2-related conditions. This variant is present in population databases (rs780888711, gnomAD 0.008%). This sequence change replaces arginine, which is basic and polar, with glutamine, which is neutral and polar, at codon 64 of the KSR2 protein (p.Arg64Gln).

PreventionGenetics, part of Exact Sciences
Classification: Uncertain significance for KSR2-related condition. Last evaluated: 2024-07-03. Review status: no assertion criteria provided. Collection method: clinical testing. Allele origin: germline. Not counted in ClinVar's aggregate classification.
Comment: The KSR2 c.191G>A variant is predicted to result in the amino acid substitution p.Arg64Gln. To our knowledge, this variant has not been reported in the literature. This variant is reported in 0.0083% of alleles in individuals of African descent in gnomAD. At this time, the clinical significance of this variant is uncertain due to the absence of conclusive functional and genetic evidence.